The following is an entry in ClinVar:

NM_001206927.2(DNAH8):c.8870G>A (p.Arg2957His)

Gene: DNAH8 (dynein axonemal heavy chain 8; plus strand). Cytogenetic location: 6p21.2.
Variant type: single nucleotide variant.
Coding change: c.8870G>A on transcript NM_001206927.2 (MANE Select); coding-DNA position 8870, G replaced by A.
Protein change: p.Arg2957His; replaces arginine 2957 with histidine.
Molecular consequence: missense variant.
Genome position (GRCh38, 1-based): chr6:38,896,155, G>A. VCF-style: chr6-38896155-G-A. GRCh37 (hg19) VCF-style: chr6-38863931-G-A.
Other names: c.8219G>A, p.Arg2740His (NM_001371.4); short protein forms R2957H, R2740H.
Identifiers: ClinVar variation 525264 (VCV000525264.12), dbSNP rs763438877, ClinGen allele CA3790328.

ClinVar aggregate classification (germline): Uncertain significance. Review status: criteria provided, multiple submitters, no conflicts (2 of 4 stars). 2 submissions from 2 submitters: Uncertain significance (2). Last evaluated 2025-04-14.

Conditions:
Primary ciliary dyskinesia. Also called: Ciliary dyskinesia. Identifiers: Orphanet 244, MedGen C0008780, MONDO:0016575, HP:0012265.

Allele frequency attached by ClinVar (database versions not stated): gnomAD exomes 0.00005; ExAC 0.00007; gnomAD 0.00007 and 0.00009; TOPMed 0.00009.
gnomAD v4.1: 93 of 1,613,592 alleles (0.0058%); highest among the groups gnomAD compares: Middle Eastern, 0.049%; no homozygotes.

Submissions (2):

Ambry Genetics
Classification: Uncertain significance. Last evaluated: 2025-04-14. Review status: criteria provided, single submitter. Criteria: Ambry Variant Classification Scheme 2023. Collection method: clinical testing. Allele origin: germline.

Labcorp Genetics (formerly Invitae), Labcorp
Classification: Uncertain significance for Primary ciliary dyskinesia. Last evaluated: 2024-01-04. Review status: criteria provided, single submitter. Criteria: Invitae Variant Classification Sherloc (09022015). Collection method: clinical testing. Allele origin: germline.
Comment: This sequence change replaces arginine, which is basic and polar, with histidine, which is basic and polar, at codon 2957 of the DNAH8 protein (p.Arg2957His). This variant is present in population databases (rs763438877, gnomAD 0.03%). This variant has not been reported in the literature in individuals affected with DNAH8-related conditions. ClinVar contains an entry for this variant (Variation ID: 525264). Algorithms developed to predict the effect of missense changes on protein structure and function output the following: SIFT: "Not Available"; PolyPhen-2: "Not Available"; Align-GVGD: "Not Available". The histidine amino acid residue is found in multiple mammalian species, which suggests that this missense change does not adversely affect protein function. In summary, the available evidence is currently insufficient to determine the role of this variant in disease. Therefore, it has been classified as a Variant of Uncertain Significance.